The following is an entry in ClinVar:

ClinVar aggregate classification (germline): Benign. Review status: criteria provided, multiple submitters, no conflicts (2 of 4 stars). 6 submissions from 6 submitters: Benign (6). Last evaluated 2026-01-28.

Conditions:
Spastic paraplegia. Identifiers: MedGen C0037772, HP:0001258.
Hereditary spastic paraplegia. Also called: Familial spastic paraparesis. Identifiers: Orphanet 685, MedGen C0037773, MONDO:0019064. Disease mechanism: loss of function.

Allele frequency attached by ClinVar (database versions not stated): gnomAD exomes 0.00217 and 0.00500; ExAC 0.00597; gnomAD 0.01788 and 0.01921; ESP Exome Variant Server 0.02030; 1000 Genomes Project 0.02037; TOPMed 0.02069; 1000 Genomes Project 30x 0.02155.
gnomAD v4.1: 6,013 of 1,614,172 alleles (0.37%); highest among the groups gnomAD compares: African/African-American, 6.3%; 148 homozygotes.

Submissions (6):

Labcorp Genetics (formerly Invitae), Labcorp
Classification: Benign for Spastic paraplegia. Last evaluated: 2026-01-28. Review status: criteria provided, single submitter. Criteria: Invitae Variant Classification Sherloc (09022015). Collection method: clinical testing. Allele origin: germline.

Athena Diagnostics
Classification: Benign. Last evaluated: 2024-12-31. Review status: criteria provided, single submitter. Criteria: Athena Diagnostics Criteria. Collection method: clinical testing. Allele origin: unknown.
Comment: The frequency of this variant in the general population is higher than would generally be expected for pathogenic variants in this gene.

Genome Diagnostics Laboratory, The Hospital for Sick Children
Classification: Benign for Hereditary spastic paraplegia. Last evaluated: 2021-11-02. Review status: criteria provided, single submitter. Criteria: ACMG Guidelines, 2015. Collection method: clinical testing. Allele origin: germline. Affected: yes.

Mayo Clinic Laboratories, Mayo Clinic
Classification: Benign. Last evaluated: 2019-11-18. Review status: criteria provided, single submitter. Criteria: ACMG Guidelines, 2015. Collection method: clinical testing. Allele origin: germline. Observed: 10 variant alleles.

GeneDx
Classification: Benign. Last evaluated: 2019-01-13. Review status: criteria provided, single submitter. Criteria: GeneDx Variant Classification Process June 2021. Collection method: clinical testing. Allele origin: germline. Affected: yes.

Breakthrough Genomics
Classification: Benign. Review status: criteria provided, single submitter. Criteria: ACMG Guidelines, 2015. Collection method: not provided. Allele origin: germline. Inheritance: Autosomal recessive inheritance. Affected: yes.

NM_004733.4(SLC33A1):c.327A>G (p.Gln109=)

Gene: SLC33A1 (solute carrier family 33 member 1; minus strand). Cytogenetic location: 3q25.31.
Variant type: single nucleotide variant.
Coding change: c.327A>G on transcript NM_004733.4 (MANE Select); coding-DNA position 327, A replaced by G.
Protein change: p.Gln109=; no amino-acid change (glutamine 109 retained).
Molecular consequence: synonymous variant.
Genome position (GRCh38, 1-based): chr3:155,853,671, T>C on the plus strand (A>G on the coding strand, the complement: SLC33A1 is on the minus strand). VCF-style: chr3-155853671-T-C. GRCh37 (hg19) VCF-style: chr3-155571460-T-C.
Other names: p.Gln109=; c.327A>G, p.Gln109= (NM_001190992.2, NM_001363883.1).
Identifiers: ClinVar variation 343881 (VCV000343881.22), dbSNP rs74578336, ClinGen allele CA2677428.